The following is an entry in ClinVar:

NM_000051.4(ATM):c.2953G>T (p.Asp985Tyr)

Gene: ATM (ATM serine/threonine kinase; plus strand). Cytogenetic location: 11q22.3.
Variant type: single nucleotide variant.
Coding change: c.2953G>T on transcript NM_000051.4 (MANE Select); coding-DNA position 2953, G replaced by T.
Protein change: p.Asp985Tyr; replaces aspartic acid 985 with tyrosine.
Molecular consequence: missense variant.
Genome position (GRCh38, 1-based): chr11:108,271,282, G>T. VCF-style: chr11-108271282-G-T. GRCh37 (hg19) VCF-style: chr11-108142009-G-T.
Other names: c.2953G>T, p.Asp985Tyr (NM_001351834.2); short protein forms D985Y.
Identifiers: ClinVar variation 1798086 (VCV001798086.2), dbSNP rs1210518784, ClinGen allele CA382547190.

ClinVar aggregate classification (germline): Uncertain significance (1 of 4 stars; one submission).

Conditions:
Hereditary cancer-predisposing syndrome. Also called: Neoplastic Syndromes, Hereditary; Tumor predisposition; Hereditary Cancer Syndrome; Hereditary neoplastic syndrome. Identifiers: Orphanet 140162, MedGen C0027672, MeSH D009386, MONDO:0015356.

Submission:

Ambry Genetics
Classification: Uncertain significance for Hereditary cancer-predisposing syndrome. Last evaluated: 2021-12-10. Review status: criteria provided, single submitter. Criteria: Ambry Variant Classification Scheme 2023. Collection method: clinical testing. Allele origin: germline.
Comment: The p.D985Y variant (also known as c.2953G>T), located in coding exon 19 of the ATM gene, results from a G to T substitution at nucleotide position 2953. The aspartic acid at codon 985 is replaced by tyrosine, an amino acid with highly dissimilar properties. This amino acid position is conserved. In addition, the in silico prediction for this alteration is inconclusive. Since supporting evidence is limited at this time, the clinical significance of this alteration remains unclear.